The following is an entry in ClinVar:

ClinVar aggregate classification (germline): Benign/Likely benign. Review status: criteria provided, multiple submitters, no conflicts (2 of 4 stars). 3 submissions from 3 submitters: Benign (1); Likely benign (2). Last evaluated 2025-07-02.

Conditions:
Familial adenomatous polyposis 1 (FAP1). Also called: POLYPOSIS, ADENOMATOUS INTESTINAL; FAMILIAL ADENOMATOUS POLYPOSIS 1, ATTENUATED. Identifiers: MedGen C2713442, MONDO:0021056, OMIM 175100. Disease mechanism: loss of function.
Hereditary cancer-predisposing syndrome. Also called: Neoplastic Syndromes, Hereditary; Hereditary Cancer Syndrome; Hereditary neoplastic syndrome; Tumor predisposition. Identifiers: Orphanet 140162, MedGen C0027672, MeSH D009386, MONDO:0015356.

Allele frequency attached by ClinVar (database versions not stated): TOPMed below 0.00001.
gnomAD v4.1: 3 of 1,614,112 alleles (0.00019%); highest among the groups gnomAD compares: Non-Finnish European, 0.00025%; no homozygotes.

Submissions (3):

Labcorp Genetics (formerly Invitae), Labcorp
Classification: Likely benign for Familial adenomatous polyposis 1. Last evaluated: 2025-07-02. Review status: criteria provided, single submitter. Criteria: Invitae Variant Classification Sherloc (09022015). Collection method: clinical testing. Allele origin: germline.

Myriad Genetics, Inc.
Classification: Benign for Familial adenomatous polyposis 1. Last evaluated: 2024-03-28. Review status: criteria provided, single submitter. Criteria: Myriad Autosomal Dominant, Autosomal Recessive and X-Linked Classification Criteria (2023). Collection method: clinical testing. Allele origin: unknown.
Comment: This variant is considered benign. This variant is a silent/synonymous amino acid change and it is not expected to impact splicing.

Ambry Genetics
Classification: Likely benign for Hereditary cancer-predisposing syndrome. Last evaluated: 2021-08-08. Review status: criteria provided, single submitter. Criteria: Ambry Variant Classification Scheme 2023. Collection method: clinical testing. Allele origin: germline.

NM_000038.6(APC):c.4978C>T (p.Leu1660=)

Gene: APC (APC regulator of Wnt signaling pathway; plus strand). Cytogenetic location: 5q22.2.
Variant type: single nucleotide variant.
Coding change: c.4978C>T on transcript NM_000038.6 (MANE Select); coding-DNA position 4978, C replaced by T.
Protein change: p.Leu1660=; no amino-acid change (leucine 1660 retained).
Molecular consequence: synonymous variant.
Genome position (GRCh38, 1-based): chr5:112,840,572, C>T. VCF-style: chr5-112840572-C-T. GRCh37 (hg19) VCF-style: chr5-112176269-C-T.
Other names: c.4978C>T, p.Leu1660= (NM_001127510.3, NM_001354895.2); c.4924C>T, p.Leu1642= (NM_001127511.3); c.5032C>T, p.Leu1678= (NM_001354896.2); c.5008C>T, p.Leu1670= (NM_001354897.2); c.4903C>T, p.Leu1635= (NM_001354898.2); c.4894C>T, p.Leu1632= (NM_001354899.2); c.4855C>T, p.Leu1619= (NM_001354900.2); c.4801C>T, p.Leu1601= (NM_001354901.2); and 5 more.
Identifiers: ClinVar variation 1121855 (VCV001121855.50), dbSNP rs767271480, ClinGen allele CA446208736.